The following is an entry in ClinVar:

NM_001005373.4(LRSAM1):c.917T>G (p.Leu306Arg)

Gene: LRSAM1 (leucine rich repeat and sterile alpha motif containing 1; plus strand). Cytogenetic location: 9q33.3.
Variant type: single nucleotide variant.
Coding change: c.917T>G on transcript NM_001005373.4 (MANE Select); coding-DNA position 917, T replaced by G.
Protein change: p.Leu306Arg; replaces leucine 306 with arginine.
Molecular consequence: missense variant. On other transcripts: non-coding transcript variant (2).
Genome position (GRCh38, 1-based): chr9:127,479,852, T>G. VCF-style: chr9-127479852-T-G. GRCh37 (hg19) VCF-style: chr9-130242131-T-G.
Other names: p.Leu306Arg; c.917T>G, p.Leu306Arg (NM_001005374.4, NM_001190723.3, NM_001384142.1 and 2 more transcripts); c.128T>G, p.Leu43Arg (NM_001384144.1); c.917T>G (NM_138361.4); short protein forms L306R, L43R.
Identifiers: ClinVar variation 800222 (VCV000800222.22), dbSNP rs140151379, ClinGen allele CA5246762.

ClinVar aggregate classification (germline): Conflicting classifications of pathogenicity. Review status: criteria provided, conflicting classifications (1 of 4 stars). 5 submissions from 5 submitters: Uncertain significance (2); Likely benign (3). Last evaluated 2026-01-25.

Conditions:
Charcot-Marie-Tooth disease axonal type 2P. Also called: CHARCOT-MARIE-TOOTH DISEASE, AXONAL, TYPE 2G; CMT 2G; Charcot-Marie-Tooth Neuropathy Type 2G; CHARCOT-MARIE-TOOTH NEUROPATHY, TYPE 2P. Identifiers: Orphanet 300319, Orphanet 99941, MedGen C3280797, MONDO:0013753, OMIM 614436.
Inborn genetic diseases. Identifiers: MedGen C0950123, MeSH D030342.

Allele frequency attached by ClinVar (database versions not stated): ExAC 0.00007; 1000 Genomes Project 30x 0.00031; gnomAD 0.00037 and 0.00039; TOPMed 0.00037; 1000 Genomes Project 0.00040; ESP Exome Variant Server 0.00054.
gnomAD v4.1: 105 of 1,611,934 alleles (0.0065%); highest among the groups gnomAD compares: African/African-American, 0.12%; no homozygotes.

Submissions (5):

Labcorp Genetics (formerly Invitae), Labcorp
Classification: Likely benign for Charcot-Marie-Tooth disease axonal type 2P. Last evaluated: 2026-01-25. Review status: criteria provided, single submitter. Criteria: Invitae Variant Classification Sherloc (09022015). Collection method: clinical testing. Allele origin: germline.

Women's Health and Genetics/Laboratory Corporation of America, LabCorp
Classification: Likely benign. Last evaluated: 2025-07-16. Review status: criteria provided, single submitter. Criteria: LabCorp Variant Classification Summary - May 2015. Collection method: clinical testing. Allele origin: germline.
Comment: Variant summary: LRSAM1 c.917T>G (p.Leu306Arg) results in a non-conservative amino acid change in the encoded protein sequence. Algorithms developed to predict the effect of missense changes on protein structure and function are either unavailable or do not agree on the potential impact of this missense change. The variant allele was found at a frequency of 6.5e-05 in 1604976 control chromosomes, predominantly at a frequency of 0.0012 within the African or African-American subpopulation in the gnomAD database. The observed variant frequency within African or African-American control individuals in the gnomAD database is higher than the estimated maximal expected allele frequency for a pathogenic variant in LRSAM1 causing Charcot-Marie-Tooth disease axonal type 2P-AR phenotype (0.0011). To our knowledge, no occurrence of c.917T>G in individuals affected with Charcot-Marie-Tooth disease axonal type 2P-AR and no experimental evidence demonstrating its impact on protein function have been reported. ClinVar contains an entry for this variant (Variation ID: 800222). Based on the evidence outlined above, the variant was classified as likely benign.

Ambry Genetics
Classification: Uncertain significance for Inborn genetic diseases. Last evaluated: 2024-07-16. Review status: criteria provided, single submitter. Criteria: Ambry Variant Classification Scheme 2023. Collection method: clinical testing. Allele origin: germline.

Mayo Clinic Laboratories, Mayo Clinic
Classification: Uncertain significance. Last evaluated: 2021-09-14. Review status: criteria provided, single submitter. Criteria: ACMG Guidelines, 2015. Collection method: clinical testing. Allele origin: germline.

Illumina Laboratory Services, Illumina
Classification: Likely benign for Charcot-Marie-Tooth disease axonal type 2P. Last evaluated: 2018-01-12. Review status: criteria provided, single submitter. Criteria: ICSL Variant Classification Criteria 13 December 2019. Collection method: clinical testing. Allele origin: germline.
Comment: This variant was observed in the ICSL laboratory as part of a predisposition screen in an ostensibly healthy population. It had not been previously curated by ICSL or reported in the Human Gene Mutation Database (HGMD: prior to June 1st, 2018), and was therefore a candidate for classification through an automated scoring system. Utilizing variant allele frequency, disease prevalence and penetrance estimates, and inheritance mode, an automated score was calculated to assess if this variant is too frequent to cause the disease. Based on the score and internal cut-off values, a variant classified as likely benign is not then subjected to further curation. The score for this variant resulted in a classification of likely benign for this disease.